The following is an entry in ClinVar:

ClinVar aggregate classification (germline): Uncertain significance (1 of 4 stars; one submission).

Conditions:
Arrhythmogenic right ventricular cardiomyopathy (ARVD). Also called: Arrhythmogenic right ventricular dysplasia; Cardiomyopathy, ARVC; Arrhythmogenic cardiomyopathy; Arrhythmogenic Right Ventricular Cardiomyopathy (ARVC). Identifiers: Orphanet 247, MedGen C0349788, MeSH D019571, MONDO:0016587. Disease mechanism: loss of function. Inheritance: Various modes of inheritance.

Submission:

All of Us Research Program, National Institutes of Health
Classification: Uncertain significance for Arrhythmogenic right ventricular cardiomyopathy. Last evaluated: 2023-12-01. Review status: criteria provided, single submitter. Criteria: ACMG Guidelines, 2015. Collection method: clinical testing. Allele origin: germline. Inheritance: Autosomal dominant inheritance. Observed: 1 variant allele, 1 heterozygote.
Comment: This study involves interpretation of variants in research participants for the purpose of population health screening. Participant phenotype was not available at the time of variant classification. Additional details can be found in publication PMID: 35346344, PMCID: PMC8962531

NM_001005242.3(PKP2):c.1547G>A (p.Gly516Glu)

Gene: PKP2 (plakophilin 2; minus strand). Cytogenetic location: 12p11.21.
Variant type: single nucleotide variant.
Coding change: c.1547G>A on transcript NM_001005242.3 (MANE Select); coding-DNA position 1547, G replaced by A.
Protein change: p.Gly516Glu; replaces glycine 516 with glutamic acid.
Molecular consequence: missense variant.
Genome position (GRCh38, 1-based): chr12:32,841,037, C>T on the plus strand (G>A on the coding strand, the complement: PKP2 is on the minus strand). VCF-style: chr12-32841037-C-T. GRCh37 (hg19) VCF-style: chr12-32993971-C-T.
Other names: c.1547G>A, p.Gly516Glu (NM_001407155.1, NM_001407156.1, NM_001407161.1); c.1679G>A, p.Gly560Glu (NM_001407157.1, NM_004572.4); c.1220G>A, p.Gly407Glu (NM_001407158.1, NM_001407159.1, NM_001407160.1 and 1 more transcripts); short protein forms G407E, G516E, G560E.
Identifiers: ClinVar variation 3074181 (VCV003074181.1), dbSNP rs1402108604, ClinGen allele CA384367221.